The following is an entry in ClinVar:

ClinVar aggregate classification (germline): Pathogenic (1 of 4 stars; one submission).

Conditions:
Hereditary sensory and autonomic neuropathy type 6. Also called: HSAN VI; Neuropathy, hereditary sensory and autonomic, type VI. Identifiers: Orphanet 314381, MedGen C3539003, MONDO:0013839, OMIM 614653.
Epidermolysis bullosa simplex 3, localized or generalized intermediate, with BP230 deficiency (EBS3). Also called: Epidermolysis bullosa simplex, autosomal recessive 2; Epidermolysis bullosa simplex due to BP230 deficiency. Identifiers: Orphanet 412181, MedGen C3809470, MONDO:0014180, OMIM 615425.

Submission:

Labcorp Genetics (formerly Invitae), Labcorp
Classification: Pathogenic for Epidermolysis bullosa simplex 3, localized or generalized intermediate, with BP230 deficiency; Hereditary sensory and autonomic neuropathy type 6. Last evaluated: 2024-09-09. Review status: criteria provided, single submitter. Criteria: Invitae Variant Classification Sherloc (09022015). Collection method: clinical testing. Allele origin: germline.
Comment: The DST gene has multiple clinically relevant transcripts. This variant occurs in alternate transcript NM_015548.4, and corresponds to NM_001723.5:c.*59859G>A in the primary transcript. This sequence change creates a premature translational stop signal (p.Trp2318*) in the DST gene. It is expected to result in an absent or disrupted protein product. Loss-of-function variants in DST are known to be pathogenic (PMID: 22522446, 25059916, 30371979). This variant is not present in population databases (gnomAD no frequency). This variant has not been reported in the literature in individuals affected with DST-related conditions. For these reasons, this variant has been classified as Pathogenic.

Literature cited by the submitters: PubMed 22522446; PubMed 25059916; PubMed 30371979.

NM_001374736.1(DST):c.14823G>A (p.Trp4941Ter)

Gene: DST (dystonin; minus strand). Cytogenetic location: 6p12.1.
Variant type: single nucleotide variant.
Coding change: c.14823G>A on transcript NM_001374736.1 (MANE Select); coding-DNA position 14823, G replaced by A.
Protein change: p.Trp4941Ter; replaces tryptophan 4941 with a stop codon.
Molecular consequence: nonsense.
Genome position (GRCh38, 1-based): chr6:56,555,658, C>T on the plus strand (G>A on the coding strand, the complement: DST is on the minus strand). VCF-style: chr6-56555658-C-T. GRCh37 (hg19) VCF-style: chr6-56420456-C-T.
Other names: c.8466G>A, p.Trp2822Ter (NM_001144769.5); c.8052G>A, p.Trp2684Ter (NM_001144770.2); c.14823G>A, p.Trp4941Ter (NM_001374722.1); c.14190G>A, p.Trp4730Ter (NM_001374729.1); c.7932G>A, p.Trp2644Ter (NM_001374730.1, NM_001386100.1, NM_183380.4); c.14850G>A, p.Trp4950Ter (NM_001374734.1); c.6954G>A, p.Trp2318Ter (NM_015548.5); short protein forms W2318*, W2644*, W2684*, W2822*, W4730*, W4941*, W4950*.
Identifiers: ClinVar variation 3750579 (VCV003750579.2).